The following is an entry in ClinVar:

ClinVar aggregate classification (germline): Uncertain significance (1 of 4 stars; one submission).

gnomAD v4.1: 1 of 1,612,356 alleles (0.000062%); highest among the groups gnomAD compares: Non-Finnish European, 0.000085%; no homozygotes.

Submission:

GeneDx
Classification: Uncertain significance. Last evaluated: 2019-01-15. Review status: criteria provided, single submitter. Criteria: GeneDx Variant Classification Process June 2021. Collection method: clinical testing. Allele origin: germline. Affected: yes.
Comment: Not observed in large population cohorts (Lek et al., 2016); In silico analysis, which includes protein predictors and evolutionary conservation, supports that this variant does not alter protein structure/function; Has not been previously published as pathogenic or benign to our knowledge

NM_016097.5(IER3IP1):c.193G>A (p.Val65Met)

Gene: IER3IP1 (immediate early response 3 interacting protein 1; minus strand). Cytogenetic location: 18q21.1.
Variant type: single nucleotide variant.
Coding change: c.193G>A on transcript NM_016097.5 (MANE Select); coding-DNA position 193, G replaced by A.
Protein change: p.Val65Met; replaces valine 65 with methionine.
Molecular consequence: missense variant.
Genome position (GRCh38, 1-based): chr18:47,157,436, C>T on the plus strand (G>A on the coding strand, the complement: IER3IP1 is on the minus strand). VCF-style: chr18-47157436-C-T. GRCh37 (hg19) VCF-style: chr18-44683807-C-T.
Other names: short protein forms V65M.
Identifiers: ClinVar variation 1304519 (VCV001304519.2), dbSNP rs2144423082, ClinGen allele CA402489956.